The following is an entry in ClinVar:

ClinVar aggregate classification (germline): Pathogenic (1 of 4 stars; one submission).

Conditions:
Juvenile polyposis syndrome (JPS). Identifiers: Orphanet 2929, MedGen C0345893, MONDO:0017380, OMIM 174900.

Submission:

Labcorp Genetics (formerly Invitae), Labcorp
Classification: Pathogenic for Juvenile polyposis syndrome. Last evaluated: 2023-08-16. Review status: criteria provided, single submitter. Criteria: Invitae Variant Classification Sherloc (09022015). Collection method: clinical testing. Allele origin: germline.
Comment: This variant is not present in population databases (gnomAD no frequency). This sequence change creates a premature translational stop signal (p.Ile378Thrfs*5) in the BMPR1A gene. It is expected to result in an absent or disrupted protein product. Loss-of-function variants in BMPR1A are known to be pathogenic (PMID: 11536076, 12417513). For these reasons, this variant has been classified as Pathogenic. This variant has not been reported in the literature in individuals affected with BMPR1A-related conditions.

Literature cited by the submitters: PubMed 11536076; PubMed 12417513.

NM_004329.3(BMPR1A):c.1132_1133insCCTGGAG (p.Ile378fs)

Gene: BMPR1A (bone morphogenetic protein receptor type 1A; plus strand). Cytogenetic location: 10q23.2.
Variant type: Insertion.
Coding change: c.1132_1133insCCTGGAG on transcript NM_004329.3 (MANE Select); coding-DNA positions 1132 to 1133, CCTGGAG inserted.
Protein change: p.Ile378fs; shifts the reading frame from isoleucine 378.
Molecular consequence: frameshift variant. On other transcripts: non-coding transcript variant (3).
Genome position: GRCh38 VCF-style: chr10-86919435-A-ACCTGGAG. GRCh37 (hg19) VCF-style: chr10-88679192-A-ACCTGGAG.
Other names: c.1132_1133insCCTGGAG, p.Ile378fs (NM_001406573.1, NM_001406574.1, NM_001406575.1 and 19 more transcripts); c.1207_1208insCCTGGAG, p.Ile403fs (NM_001406559.1); c.1180_1181insCCTGGAG, p.Ile394fs (NM_001406560.1); c.1126_1127insCCTGGAG, p.Ile376fs (NM_001406583.1); c.1048_1049insCCTGGAG, p.Ile350fs (NM_001406584.1, NM_001406585.1, NM_001406586.1 and 2 more transcripts); c.790_791insCCTGGAG, p.Ile264fs (NM_001406589.1); short protein forms I264fs, I350fs, I376fs, I378fs, I394fs, I403fs.
Identifiers: ClinVar variation 2752694 (VCV002752694.3), dbSNP rs2539623369, ClinGen allele CA2697558530.